The following is an entry in ClinVar:

NM_018249.6(CDK5RAP2):c.1339C>T (p.Arg447Cys)

Gene: CDK5RAP2 (CDK5 regulatory subunit associated protein 2; minus strand). Cytogenetic location: 9q33.2.
Variant type: single nucleotide variant.
Coding change: c.1339C>T on transcript NM_018249.6 (MANE Select); coding-DNA position 1339, C replaced by T.
Protein change: p.Arg447Cys; replaces arginine 447 with cysteine.
Molecular consequence: missense variant. On other transcripts: non-coding transcript variant (5).
Genome position (GRCh38, 1-based): chr9:120,491,450, G>A on the plus strand (C>T on the coding strand, the complement: CDK5RAP2 is on the minus strand). VCF-style: chr9-120491450-G-A. GRCh37 (hg19) VCF-style: chr9-123253728-G-A.
Other names: c.1339C>T, p.Arg447Cys (NM_001011649.3, NM_001272039.2, NM_001410992.1 and 2 more transcripts); short protein forms R447C.
Identifiers: ClinVar variation 2180091 (VCV002180091.1), dbSNP rs369321828, ClinGen allele CA5214413.
Genomic context (GRCh38, chr9:120,491,450, plus strand): 5'-CACTCAGAAGACTCTTGTAACGATTTTCCATTGCTTTCTCTCTTTCATTCACTTCATTGC[G>A]TAATTTTTCAACTTCATTTCTAAGATCCTACCAGAAGAAAATGAAAAAATGGAATTTACT-3'
Protein context (NP_060719.4, residues 437-457): RDLRNEVEKL[Arg447Cys]NEVNEREKAM

ClinVar aggregate classification (germline): Uncertain significance (1 of 4 stars; one submission).

Allele frequency attached by ClinVar (database versions not stated): gnomAD 0.00009; TOPMed 0.00009; ESP Exome Variant Server 0.00015.
gnomAD v4.1: 124 of 1,610,726 alleles (0.0077%); highest among the groups gnomAD compares: East Asian, 0.02%; 2 homozygotes.

Submission:

Labcorp Genetics (formerly Invitae), Labcorp
Classification: Uncertain significance. Last evaluated: 2022-02-18. Review status: criteria provided, single submitter. Criteria: Invitae Variant Classification Sherloc (09022015). Collection method: clinical testing. Allele origin: germline.
Comment: This sequence change replaces arginine, which is basic and polar, with cysteine, which is neutral and slightly polar, at codon 447 of the CDK5RAP2 protein (p.Arg447Cys). This variant is present in population databases (rs369321828, gnomAD 0.03%). This variant has not been reported in the literature in individuals affected with CDK5RAP2-related conditions. Algorithms developed to predict the effect of missense changes on protein structure and function output the following: SIFT: "Deleterious"; PolyPhen-2: "Possibly Damaging"; Align-GVGD: "Class C0". The cysteine amino acid residue is found in multiple mammalian species, which suggests that this missense change does not adversely affect protein function. In summary, the available evidence is currently insufficient to determine the role of this variant in disease. Therefore, it has been classified as a Variant of Uncertain Significance.